The following is an entry in ClinVar:

ClinVar aggregate classification (germline): Likely benign (1 of 4 stars; one submission).

Conditions:
LRRC45-related disorder. Also called: LRRC45-related condition.

gnomAD v4.1: 237 of 1,540,170 alleles (0.015%); highest among the groups gnomAD compares: South Asian, 0.26%; 4 homozygotes.

Submission:

PreventionGenetics, part of Exact Sciences
Classification: Likely benign for LRRC45-related condition. Last evaluated: 2025-07-08. Review status: criteria provided, single submitter. Criteria: ACMG Guidelines, 2015. Collection method: clinical testing. Allele origin: germline.
Comment: This variant is classified as likely benign based on ACMG/AMP sequence variant interpretation guidelines (Richards et al. 2015 PMID: 25741868, with internal and published modifications).

NM_144999.4(LRRC45):c.1631T>C (p.Val544Ala)

Gene: LRRC45 (leucine rich repeat containing 45; plus strand). Cytogenetic location: 17q25.3.
Variant type: single nucleotide variant.
Coding change: c.1631T>C on transcript NM_144999.4 (MANE Select); coding-DNA position 1631, T replaced by C.
Protein change: p.Val544Ala; replaces valine 544 with alanine.
Molecular consequence: missense variant.
Genome position (GRCh38, 1-based): chr17:82,030,201, T>C. VCF-style: chr17-82030201-T-C. GRCh37 (hg19) VCF-style: chr17-79988077-T-C.
Other names: short protein forms V544A.
Identifiers: ClinVar variation 4980336 (VCV004980336.1).
Genomic context (GRCh38, chr17:82,030,201, plus strand): 5'-TACAGCAGAAGCAGGTGGTGGCCGAGGCCCAGACCCGGGTCAGCCAGCTGGGCCTGCAAG[T>C]TGAGGGCCTGCGGCGGCGCCTGGAAGAGCTGCAGCAGGTAGGCGGGGCTCCGGTGGGGGG-3'
Protein context (NP_659436.1, residues 534-554): QTRVSQLGLQ[Val544Ala]EGLRRRLEEL